The following is an entry in ClinVar:

ClinVar aggregate classification (germline): Uncertain significance (1 of 4 stars; one submission).

Submission:

GeneDx
Classification: Uncertain significance. Last evaluated: 2026-03-02. Review status: criteria provided, single submitter. Criteria: GeneDx Variant Classification Process June 2021. Collection method: clinical testing. Allele origin: germline.
Comment: Not observed at significant frequency in large population cohorts (gnomAD); In silico analysis suggests that this missense variant does not alter protein structure/function; Has not been previously published as pathogenic or benign to our knowledge

NM_014974.3(DIP2C):c.3294G>C (p.Glu1098Asp)

Genes: DIP2C (DIP2 acetate--CoA ligase C (putative); minus strand), LOC126860805 (BRD4-independent group 4 enhancer GRCh37_chr10:390524-391723; plus strand). Cytogenetic location: 10p15.3.
Variant type: single nucleotide variant.
Coding change: c.3294G>C on transcript NM_014974.3 (MANE Select); coding-DNA position 3294, G replaced by C.
Protein change: p.Glu1098Asp; replaces glutamic acid 1098 with aspartic acid.
Molecular consequence: missense variant.
Genome position (GRCh38, 1-based): chr10:345,048, C>G on the plus strand (G>C on the coding strand, the complement: DIP2C is on the minus strand). VCF-style: chr10-345048-C-G. GRCh37 (hg19) VCF-style: chr10-390988-C-G.
Other names: short protein forms E1098D.
Identifiers: ClinVar variation 5008136 (VCV005008136.1).